The following is an entry in ClinVar:

NC_000001.10:g.(?_237753073)_(237924348_?)del

Gene: RYR2 (ryanodine receptor 2; plus strand). Cytogenetic location: 1q43.
Variant type: Deletion.
Identifiers: ClinVar variation 2423525 (VCV002423525.4).

ClinVar aggregate classification (germline): Uncertain significance (1 of 4 stars; one submission).

Conditions:
Catecholaminergic polymorphic ventricular tachycardia 1. Also called: VENTRICULAR TACHYCARDIA, CATECHOLAMINERGIC POLYMORPHIC, 1, WITH OR WITHOUT ATRIAL DYSFUNCTION AND/OR DILATED CARDIOMYOPATHY; RYR2-Related Catecholaminergic Polymorphic Ventricular Tachycardia; VENTRICULAR TACHYCARDIA, STRESS-INDUCED POLYMORPHIC 1. Identifiers: Orphanet 3286, MedGen C1631597, MONDO:0011484, OMIM 604772.

Submission:

Labcorp Genetics (formerly Invitae), Labcorp
Classification: Uncertain significance for Catecholaminergic polymorphic ventricular tachycardia 1. Last evaluated: 2022-04-12. Review status: criteria provided, single submitter. Criteria: Invitae Variant Classification Sherloc (09022015). Collection method: clinical testing. Allele origin: germline.
Comment: This variant is a gross deletion of the genomic region encompassing exon(s) 30-84 of the RYR2 gene. This variant would be expected to be in-frame, preserving the integrity of the reading frame. This variant has not been reported in the literature in individuals affected with RYR2-related conditions. Experimental studies and prediction algorithms are not available or were not evaluated, and the functional significance of this variant is currently unknown. In summary, the available evidence is currently insufficient to determine the role of this variant in disease. Therefore, it has been classified as a Variant of Uncertain Significance.